The following is an entry in ClinVar:

NM_001128840.3(CACNA1D):c.4112T>G (p.Met1371Arg)

Gene: CACNA1D (calcium voltage-gated channel subunit alpha1 D; plus strand). Cytogenetic location: 3p21.1.
Variant type: single nucleotide variant.
Coding change: c.4112T>G on transcript NM_001128840.3 (MANE Select); coding-DNA position 4112, T replaced by G.
Protein change: p.Met1371Arg; replaces methionine 1371 with arginine.
Molecular consequence: missense variant.
Genome position (GRCh38, 1-based): chr3:53,774,588, T>G. VCF-style: chr3-53774588-T-G. GRCh37 (hg19) VCF-style: chr3-53808615-T-G.
Other names: c.4172T>G, p.Met1391Arg (NM_000720.4); c.4067T>G, p.Met1356Arg (NM_001128839.3); short protein forms M1371R, M1356R, M1391R.
Identifiers: ClinVar variation 4719021 (VCV004719021.1).

ClinVar aggregate classification (germline): Uncertain significance (1 of 4 stars; one submission).

Submission:

Labcorp Genetics (formerly Invitae), Labcorp
Classification: Uncertain significance. Last evaluated: 2025-05-06. Review status: criteria provided, single submitter. Criteria: Invitae Variant Classification Sherloc (09022015). Collection method: clinical testing. Allele origin: germline.
Comment: This sequence change replaces methionine, which is neutral and non-polar, with arginine, which is basic and polar, at codon 1391 of the CACNA1D protein (p.Met1391Arg). This variant is not present in population databases (gnomAD no frequency). This variant has not been reported in the literature in individuals affected with CACNA1D-related conditions. An algorithm developed to predict the effect of missense changes on protein structure and function (PolyPhen-2) suggests that this variant is likely to be tolerated. Algorithms developed to predict the effect of sequence changes on RNA splicing suggest that this variant may disrupt the consensus splice site. In summary, the available evidence is currently insufficient to determine the role of this variant in disease. Therefore, it has been classified as a Variant of Uncertain Significance.